The following is an entry in ClinVar:

NM_022356.4(P3H1):c.192_205del (p.Ala66fs)

Genes: P3H1 (prolyl 3-hydroxylase 1; minus strand), LOC129930352 (ATAC-STARR-seq lymphoblastoid silent region 767; plus strand). Cytogenetic location: 1p34.2.
Variant type: Deletion.
Coding change: c.192_205del on transcript NM_022356.4 (MANE Select); coding-DNA positions 192 to 205, 14 bases deleted (CCGGGCAGCCCTCC).
Protein change: p.Ala66fs; shifts the reading frame from alanine 66.
Molecular consequence: frameshift variant.
Genome position (GRCh38, 1-based): chr1:42,766,767-42,766,780, GGAGGGCTGCCCGG deleted on the plus strand (CCGGGCAGCCCTCC on the coding strand, the reverse complement: P3H1 is on the minus strand); deleting any 14 consecutive bases within chr1:42,766,767-42,766,781 gives the same sequence; the c. name uses the placement nearest the transcript's 3' end. VCF-style (leftmost placement, unchanged base first): chr1-42766766-CGGAGGGCTGCCCGG-C. GRCh37 (hg19) VCF-style: chr1-43232437-CGGAGGGCTGCCCGG-C.
Other names: c.192_205del, p.Ala66fs (NM_001146289.2, NM_001243246.2); short protein forms A66fs.
Identifiers: ClinVar variation 2819440 (VCV002819440.3), dbSNP rs765522088, ClinGen allele CA802214.

ClinVar aggregate classification (germline): Pathogenic (1 of 4 stars; one submission).

Conditions:
Osteogenesis imperfecta type 8 (OI8). Identifiers: MedGen C1970458, MONDO:0012581, OMIM 610915.

Submission:

Labcorp Genetics (formerly Invitae), Labcorp
Classification: Pathogenic for Osteogenesis imperfecta type 8. Last evaluated: 2023-04-08. Review status: criteria provided, single submitter. Criteria: Invitae Variant Classification Sherloc (09022015). Collection method: clinical testing. Allele origin: germline.
Comment: This sequence change creates a premature translational stop signal (p.Ala66Profs*105) in the P3H1 gene. It is expected to result in an absent or disrupted protein product. Loss-of-function variants in P3H1 are known to be pathogenic (PMID: 17277775, 18566967, 19088120, 22281939). For these reasons, this variant has been classified as Pathogenic. This variant has not been reported in the literature in individuals affected with P3H1-related conditions. This variant is present in population databases (rs765522088, gnomAD 0.001%).

Literature cited by the submitters: PubMed 17277775; PubMed 18566967; PubMed 19088120; PubMed 22281939.